The following is an entry in ClinVar:

ClinVar aggregate classification (germline): Uncertain significance (1 of 4 stars; one submission).

Submission:

GeneDx
Classification: Uncertain significance. Last evaluated: 2024-06-04. Review status: criteria provided, single submitter. Criteria: GeneDx Variant Classification Process June 2021. Collection method: clinical testing. Allele origin: germline.
Comment: Not observed at significant frequency in large population cohorts (gnomAD); In silico analysis indicates that this missense variant does not alter protein structure/function; In silico analysis is inconclusive as to whether the variant alters gene splicing. In the absence of RNA/functional studies, the actual effect of this sequence change is unknown.; Has not been previously published as pathogenic or benign to our knowledge

NM_015959.4(TMX2):c.375G>A (p.Met125Ile)

Genes: TMX2-CTNND1 (TMX2-CTNND1 readthrough (NMD candidate); plus strand), TMX2 (thioredoxin related transmembrane protein 2; plus strand). Cytogenetic location: 11q12.1.
Variant type: single nucleotide variant.
Coding change: c.375G>A on transcript NM_015959.4 (MANE Select); coding-DNA position 375, G replaced by A.
Protein change: p.Met125Ile; replaces methionine 125 with isoleucine.
Molecular consequence: missense variant. On other transcripts: non-coding transcript variant (1).
Genome position (GRCh38, 1-based): chr11:57,738,364, G>A. VCF-style: chr11-57738364-G-A. GRCh37 (hg19) VCF-style: chr11-57505836-G-A.
Other names: c.261G>A, p.Met87Ile (NM_001144012.3); c.375G>A, p.Met125Ile (NM_001347890.2, NM_001347898.2); c.291G>A, p.Met97Ile (NM_001347891.2); c.168G>A, p.Met56Ile (NM_001347892.2); c.93G>A, p.Met31Ile (NM_001347893.2, NM_001347894.2, NM_001347895.2 and 1 more transcripts); short protein forms M125I, M31I, M56I, M87I, M97I.
Identifiers: ClinVar variation 2504764 (VCV002504764.2), dbSNP rs2495427884, ClinGen allele CA380718510.